The following is an entry in ClinVar:

ClinVar aggregate classification (germline): Uncertain significance. Review status: criteria provided, multiple submitters, no conflicts (2 of 4 stars). 2 submissions from 2 submitters: Uncertain significance (2). Last evaluated 2024-12-21.

Conditions:
Epileptic encephalopathy. Identifiers: MedGen C0543888, HP:0200134.

Allele frequency attached by ClinVar (database versions not stated): ExAC 0.00003; gnomAD exomes 0.00003; gnomAD 0.00005; TOPMed 0.00007; ESP Exome Variant Server 0.00008.
gnomAD v4.1: 25 of 1,600,028 alleles (0.0016%); highest among the groups gnomAD compares: African/African-American, 0.0094%; no homozygotes.

Submissions (2):

Ambry Genetics
Classification: Uncertain significance. Last evaluated: 2024-12-21. Review status: criteria provided, single submitter. Criteria: Ambry Variant Classification Scheme 2023. Collection method: clinical testing. Allele origin: germline.

Labcorp Genetics (formerly Invitae), Labcorp
Classification: Uncertain significance for Epileptic encephalopathy. Last evaluated: 2020-03-18. Review status: criteria provided, single submitter. Criteria: Invitae Variant Classification Sherloc (09022015). Collection method: clinical testing. Allele origin: germline.
Comment: This variant is present in population databases (rs368220434, ExAC 0.03%). This sequence change replaces alanine with threonine at codon 1179 of the RYR3 protein (p.Ala1179Thr). The alanine residue is highly conserved and there is a small physicochemical difference between alanine and threonine. In summary, the available evidence is currently insufficient to determine the role of this variant in disease. Therefore, it has been classified as a Variant of Uncertain Significance. Algorithms developed to predict the effect of missense changes on protein structure and function (SIFT, PolyPhen-2, Align-GVGD) all suggest that this variant is likely to be tolerated, but these predictions have not been confirmed by published functional studies and their clinical significance is uncertain. This variant has not been reported in the literature in individuals with RYR3-related disease.

NM_001036.6(RYR3):c.3535G>A (p.Ala1179Thr)

Gene: RYR3 (ryanodine receptor 3; plus strand). Cytogenetic location: 15q14.
Variant type: single nucleotide variant.
Coding change: c.3535G>A on transcript NM_001036.6 (MANE Select); coding-DNA position 3535, G replaced by A.
Protein change: p.Ala1179Thr; replaces alanine 1179 with threonine.
Molecular consequence: missense variant.
Genome position (GRCh38, 1-based): chr15:33,636,529, G>A. VCF-style: chr15-33636529-G-A. GRCh37 (hg19) VCF-style: chr15-33928730-G-A.
Other names: c.3535G>A, p.Ala1179Thr (NM_001243996.4); c.3535G>A (NM_001036.3); short protein forms A1179T.
Identifiers: ClinVar variation 578667 (VCV000578667.10), dbSNP rs368220434, ClinGen allele CA7458706.
Genomic context (GRCh38, chr15:33,636,529, plus strand): 5'-ATGATCTTCACACTGAATGGGGAGCTGCTGATCACCAACAAAGGCTCTGAACTTGCCTTC[G>A]CTGACTACGAGATTGAGAATGGTAAATCTAACACCCTCTGCCAACCCCAGCTCCATGAGG-3'
Protein context (NP_001027.3, residues 1169-1189): ITNKGSELAF[Ala1179Thr]DYEIENGFVP